The following is an entry in ClinVar:

ClinVar aggregate classification (germline): Conflicting classifications of pathogenicity. Review status: criteria provided, conflicting classifications (1 of 4 stars). 7 submissions from 7 submitters: Uncertain significance (5); Uncertain risk allele (1); Likely benign (1). Last evaluated 2025-05-19.

Conditions:
Maturity-onset diabetes of the young (MODY). Also called: Maturity onset diabetes mellitus in young. Identifiers: Orphanet 552, MedGen C0342276, MONDO:0018911, HP:0004904.
Type 2 diabetes mellitus. Also called: Type II diabetes mellitus. Identifiers: MedGen C0011860, MeSH D003924, MONDO:0005148, OMIM 125853, HP:0005978.
Maturity-onset diabetes of the young type 1. Also called: MILD JUVENILE DIABETES MELLITUS; HNF4A-Related Maturity-Onset Diabetes of the Young Type 1; MODY, type I; MODY type 1; Diabetes mellitus MODY type 1; MODY HNF4A related. Identifiers: Orphanet 552, MedGen C1852093, MONDO:0007452, OMIM 125850. Disease mechanism: loss of function.
Fanconi renotubular syndrome 4 with maturity-onset diabetes of the young (FRTS4). Also called: FRTS4 WITH MODY. Identifiers: Orphanet 93111, MedGen C4014962, MONDO:0014458, OMIM 616026.
HNF4A-related disorder. Also called: HNF4A-related condition.

Allele frequency attached by ClinVar (database versions not stated): gnomAD 0.00008 and 0.00009; ExAC 0.00009; TOPMed 0.00011; gnomAD exomes 0.00014; ESP Exome Variant Server 0.00015.
gnomAD v4.1: 183 of 1,614,082 alleles (0.011%); highest among the groups gnomAD compares: Admixed American, 0.037%; no homozygotes.

Submissions (7):

Women's Health and Genetics/Laboratory Corporation of America, LabCorp
Classification: Uncertain significance. Last evaluated: 2025-05-19. Review status: criteria provided, single submitter. Criteria: LabCorp Variant Classification Summary - May 2015. Collection method: clinical testing. Allele origin: germline.
Comment: Variant summary: HNF4A c.464G>A (p.Arg155Gln) results in a conservative amino acid change in the encoded protein sequence. Algorithms developed to predict the effect of missense changes on protein structure and function are either unavailable or do not agree on the potential impact of this missense change. The variant allele was found at a frequency of 0.00014 in 251456 control chromosomes. The observed variant frequency is approximately 45 fold of the estimated maximal expected allele frequency for a pathogenic variant in HNF4A causing Maturity Onset Diabetes Of The Young 1/Neonatal Diabetes Mellitus phenotype (3.1e-06). c.464G>A has been observed in individual(s) affected with Maturity Onset Diabetes Of The Young 1/Neonatal Diabetes Mellitus (Pihoker_2013). These report(s) do not provide unequivocal conclusions about association of the variant with Maturity Onset Diabetes Of The Young 1/Neonatal Diabetes Mellitus. To our knowledge, no experimental evidence demonstrating an impact on protein function has been reported. The following publication have been ascertained in the context of this evaluation (PMID: 23771925). ClinVar contains an entry for this variant (Variation ID: 449418). Based on the evidence outlined above, the variant was classified as uncertain significance.

PreventionGenetics, part of Exact Sciences
Classification: Uncertain significance for HNF4A-related condition. Last evaluated: 2025-04-11. Review status: criteria provided, single submitter. Criteria: ACMG Guidelines, 2015. Collection method: clinical testing. Allele origin: germline.
Comment: The HNF4A c.464G>A variant is predicted to result in the amino acid substitution p.Arg155Gln. This variant, reported as c.503G>A, has been reported in a patient with MODY, but no additional information was provided to help assess the pathogenicity (Pihoker et al 2013. PubMed ID: 23771925). This variant, reported as c.530G>A, has also been reported in a control patient without diabetes (Flannick et al 2013. PubMed ID: 24097065) and in an additional large cohort study of self-identified healthy adults (Supp. Table 4, Reported as p.Arg177Gln in Rasouly et al. 2019. PubMed ID: 30476936). This variant is reported in 0.054% of alleles in individuals of Latino descent in gnomAD. Although we suspect this variant is benign, at this time, the clinical significance of this variant is uncertain due to the absence of conclusive functional and genetic evidence.

Labcorp Genetics (formerly Invitae), Labcorp
Classification: Uncertain significance. Last evaluated: 2024-06-03. Review status: criteria provided, single submitter. Criteria: Invitae Variant Classification Sherloc (09022015). Collection method: clinical testing. Allele origin: germline.
Comment: This sequence change replaces arginine, which is basic and polar, with glutamine, which is neutral and polar, at codon 155 of the HNF4A protein (p.Arg155Gln). This variant is present in population databases (rs142883089, gnomAD 0.06%), and has an allele count higher than expected for a pathogenic variant. This missense change has been observed in individual(s) with HNF4A-related conditions (PMID: 23771925). This variant is also known as p.R168Q. ClinVar contains an entry for this variant (Variation ID: 449418). Advanced modeling of protein sequence and biophysical properties (such as structural, functional, and spatial information, amino acid conservation, physicochemical variation, residue mobility, and thermodynamic stability) has been performed at Invitae for this missense variant, however the output from this modeling did not meet the statistical confidence thresholds required to predict the impact of this variant on HNF4A protein function. In summary, the available evidence is currently insufficient to determine the role of this variant in disease. Therefore, it has been classified as a Variant of Uncertain Significance.

CeGaT Center for Human Genetics Tuebingen
Classification: Likely benign. Last evaluated: 2024-01-01. Review status: criteria provided, single submitter. Criteria: CeGaT Center For Human Genetics Tuebingen Variant Classification Criteria Version 2. Collection method: clinical testing. Allele origin: germline. Affected: yes. Observed: 1 variant allele.
Comment: HNF4A: BS2

Fulgent Genetics
Classification: Uncertain significance for Maturity-onset diabetes of the young type 1; Type 2 diabetes mellitus; Fanconi renotubular syndrome 4 with maturity-onset diabetes of the young. Last evaluated: 2022-05-12. Review status: criteria provided, single submitter. Criteria: ACMG Guidelines, 2015. Collection method: clinical testing. Allele origin: unknown.

GeneDx
Classification: Uncertain significance. Last evaluated: 2017-09-18. Review status: criteria provided, single submitter. Criteria: GeneDx Variant Classification (06012015). Collection method: clinical testing. Allele origin: germline. Affected: yes.
Comment: The R155Q missense variant in the HNF4A gene has been reported previously, with alternate nomenclature, in association with MODY (Pihoker et al., 2013), with limited evidence towards pathogenicity. R155Q has also been published as a benign variant observed in a control cohort (Flannick et al., 2013). The R155Q variant is observed in 3/11558 (0.026%) alleles from individuals of Latino background in the ExAC dataset (Lek et al., 2016). This is a semi-conservative amino acid substitution, which may impact secondary protein structure as these residues differ in some properties. The substitution occurs at a position that is not conserved, and in silico analysis is inconsistent in its predictions as to whether or not the variant is damaging to the protein structure/function. In summary, based on the currently available information, it is unclear whether R155Q is pathogenic or a rare benign variant.

Clinical Genomics, Uppaluri K&H Personalized Medicine Clinic
Classification: Uncertain risk allele for Maturity-onset diabetes of the young. Review status: criteria provided, single submitter. Criteria: K & H Uppaluri Personalized Medicine Clinic Variant Classification & Assertion Criteria_Updated V.1. Collection method: research. Allele origin: unknown. Inheritance: Autosomal dominant inheritance.
Comment: Potent mutations in HNF4A are associated with poor insulin secretion in response to hyperglycemia. Associated with MODY1. Patients initially respond well to sulfonylureas but eventually become insulin dependent. However, more evidence is required to ascertain the role of this particular variant rs142883089 in MODY, yet.

Literature cited by the submitters: PubMed 23771925 (cited by Women's Health and Genetics/Laboratory Corporation of America, LabCorp and Labcorp Genetics (formerly Invitae), Labcorp); PubMed 18268044 (cited by Clinical Genomics, Uppaluri K&H Personalized Medicine Clinic); PubMed 17563455 (cited by Clinical Genomics, Uppaluri K&H Personalized Medicine Clinic); PubMed 32583173 (cited by Clinical Genomics, Uppaluri K&H Personalized Medicine Clinic); PubMed 35052457 (cited by Clinical Genomics, Uppaluri K&H Personalized Medicine Clinic); PubMed 35118593 (cited by Clinical Genomics, Uppaluri K&H Personalized Medicine Clinic); DOI 10.1159/000334532 (cited by Clinical Genomics, Uppaluri K&H Personalized Medicine Clinic).

NM_175914.5(HNF4A):c.464G>A (p.Arg155Gln)

Gene: HNF4A (hepatocyte nuclear factor 4 alpha; plus strand). Cytogenetic location: 20q13.12.
Variant type: single nucleotide variant.
Coding change: c.464G>A on transcript NM_175914.5 (MANE Select); coding-DNA position 464, G replaced by A.
Protein change: p.Arg155Gln; replaces arginine 155 with glutamine.
Molecular consequence: missense variant.
Genome position (GRCh38, 1-based): chr20:44,414,544, G>A. VCF-style: chr20-44414544-G-A. GRCh37 (hg19) VCF-style: chr20-43043184-G-A.
Other names: c.530G>A, p.Arg177Gln (NM_000457.6, NM_178849.3, NM_178850.3); c.464G>A, p.Arg155Gln (NM_001030003.3, NM_001030004.3); c.509G>A, p.Arg170Gln (NM_001258355.2); c.455G>A, p.Arg152Gln (NM_001287182.2, NM_001287183.2, NM_001287184.2); short protein forms R152Q, R155Q, R177Q, R170Q.
Identifiers: ClinVar variation 449418 (VCV000449418.35), dbSNP rs142883089, ClinGen allele CA9870286.
Genomic context (GRCh38, chr20:44,414,544, plus strand): 5'-TTTCTTCCCTGTATCTCTCGAAGATCACCTCCCCCGTCTCCGGGATCAACGGCGACATTC[G>A]GGCGAAGAAGATTGCCAGCATCGCAGATGTGTGTGAGTCCATGAAGGAGCAGCTGCTGGT-3'
Protein context (NP_787110.2, residues 145-165): SPVSGINGDI[Arg155Gln]AKKIASIADV